The following is an entry in ClinVar:

ClinVar aggregate classification (germline): Uncertain significance (1 of 4 stars; one submission).

Submission:

Labcorp Genetics (formerly Invitae), Labcorp
Classification: Uncertain significance. Last evaluated: 2025-05-05. Review status: criteria provided, single submitter. Criteria: Invitae Variant Classification Sherloc (09022015). Collection method: clinical testing. Allele origin: germline.
Comment: This sequence change replaces proline, which is neutral and non-polar, with leucine, which is neutral and non-polar, at codon 616 of the MKL1 protein (p.Pro616Leu). This variant is present in population databases (no rsID available, gnomAD 0.002%). This variant has not been reported in the literature in individuals affected with MKL1-related conditions. An algorithm developed to predict the effect of missense changes on protein structure and function (PolyPhen-2) suggests that this variant is likely to be tolerated. In summary, the available evidence is currently insufficient to determine the role of this variant in disease. Therefore, it has been classified as a Variant of Uncertain Significance.

NM_020831.6(MRTFA):c.2147_2148delinsTA (p.Pro716Leu)

Gene: MRTFA (myocardin related transcription factor A; minus strand). Cytogenetic location: 22q13.1.
Variant type: Indel.
Coding change: c.2147_2148delinsTA on transcript NM_020831.6 (MANE Select); coding-DNA positions 2147 to 2148, CG replaced by TA.
Protein change: p.Pro716Leu; replaces proline 716 with leucine.
Molecular consequence: missense variant.
Genome position (GRCh38, 1-based): chr22:40,418,590-40,418,591, CG replaced by TA on the plus strand (CG replaced by TA on the coding strand, the reverse complement: MRTFA is on the minus strand). VCF-style: chr22-40418590-CG-TA. GRCh37 (hg19) VCF-style: chr22-40814594-CG-TA.
Other names: c.1847_1848delinsTA, p.Pro616Leu (NM_001282660.2); c.1997_1998delinsTA, p.Pro666Leu (NM_001282661.3); c.2147_2148delinsTA, p.Pro716Leu (NM_001282662.3); c.1952_1953delinsTA, p.Pro651Leu (NM_001318139.2); short protein forms P666L, P651L, P616L, P716L.
Identifiers: ClinVar variation 4748241 (VCV004748241.1).
Genomic context (GRCh38, chr22:40,418,590, plus strand): 5'-GGGGACCGGCTCGGGCTCAGGCTGCAAGGCTTCCTGCTTCACCACCACGGACGGGGGCCC[CG>TA]GGGCCACAGCACAAGGGTCTATGTGGTTGGTGGCTGGGGCCGCCAGGCTGGGGTTGAATG-3'
Protein context (NP_065882.2, residues 706-726): TNHIDPCAVA[Pro716Leu]GPPSVVVKQE